The following is an entry in ClinVar:

NM_002576.5(PAK1):c.-141_-136dup

Gene: PAK1 (p21 (RAC1) activated kinase 1; minus strand). Cytogenetic location: 11q14.1.
Variant type: Duplication.
Coding change: c.-141_-136dup on transcript NM_002576.5 (MANE Select); 141 bases upstream of the start codon through 136 bases upstream of the start codon, 6 bases duplicated (CGGCAG; older notation c.-141_-136dupCGGCAG).
Molecular consequence: 5 prime UTR variant.
Genome position (GRCh38, 1-based): chr11:77,473,666-77,473,671, CTGCCG duplicated on the plus strand (CGGCAG on the coding strand, the reverse complement: PAK1 is on the minus strand); duplicating any 6 consecutive bases within chr11:77,473,666-77,473,672 gives the same sequence; the c. name uses the placement nearest the transcript's 3' end. VCF-style (leftmost placement, unchanged base first): chr11-77473665-C-CCTGCCG. GRCh37 (hg19) VCF-style: chr11-77184710-C-CCTGCCG.
Other names: c.-141_-136dup (NM_001128620.2, NM_001376290.1, NM_001376301.1); c.-138_-133dup (NM_001376268.1, NM_001376273.1); c.-316_-311dup (NM_001376276.1); c.-284_-279dup (NM_001376277.1); c.-448_-443dup (NM_001376280.1); c.-208_-203dup (NM_001376281.1); c.-233_-228dup (NM_001376282.1); c.-273_-268dup (NM_001376283.1); and 3 more.
Identifiers: ClinVar variation 3895678 (VCV003895678.1).

ClinVar aggregate classification (germline): Uncertain significance (1 of 4 stars; one submission).

Submission:

Women's Health and Genetics/Laboratory Corporation of America, LabCorp
Classification: Uncertain significance. Last evaluated: 2025-03-12. Review status: criteria provided, single submitter. Criteria: LabCorp Variant Classification Summary - May 2015. Collection method: clinical testing. Allele origin: germline.
Comment: Variant summary: PAK1 c.-141_-136dupCGGCAG is located in the untranslated mRNA region upstream of the initiation codon. The variant was absent in 30786 control chromosomes. The available data on variant occurrences in the general population are insufficient to allow any conclusion about variant significance. To our knowledge, no occurrence of c.-141_-136dupCGGCAG in individuals affected with Intellectual Developmental Disorder With Macrocephaly, Seizures, And Speech Delay and no experimental evidence demonstrating its impact on protein function have been reported. No submitters have cited clinical-significance assessments for this variant to ClinVar. Based on the evidence outlined above, the variant was classified as uncertain significance.